The following is an entry in ClinVar:

ClinVar aggregate classification (germline): Likely benign. Review status: criteria provided, single submitter (1 of 4 stars). 2 submissions from 2 submitters: Likely benign (1). 1 of the submissions does not count toward it. Last evaluated 2025-10-02.

Conditions:
TTN-related disorder. Also called: TTN-related condition; TTN-related disease; TTN-related disorders.
Dilated cardiomyopathy 1G (CMD1G). Identifiers: Orphanet 154, MedGen C1858763, MONDO:0011400, OMIM 604145.
Autosomal recessive limb-girdle muscular dystrophy type 2J (LGMDR10). Also called: MUSCULAR DYSTROPHY, LIMB-GIRDLE, AUTOSOMAL RECESSIVE 10; Limb-girdle muscular dystrophy, type 2J. Identifiers: Orphanet 140922, MedGen C1837342, MONDO:0012127, OMIM 608807.

Allele frequency attached by ClinVar (database versions not stated): gnomAD exomes 0.00001.

Submissions (2):

Labcorp Genetics (formerly Invitae), Labcorp
Classification: Likely benign for Dilated cardiomyopathy 1G; Autosomal recessive limb-girdle muscular dystrophy type 2J. Last evaluated: 2025-10-02. Review status: criteria provided, single submitter. Criteria: Invitae Variant Classification Sherloc (09022015). Collection method: clinical testing. Allele origin: germline.

PreventionGenetics, part of Exact Sciences
Classification: Likely benign for TTN-related condition. Last evaluated: 2023-06-14. Review status: no assertion criteria provided. Collection method: clinical testing. Allele origin: germline. Not counted in ClinVar's aggregate classification.
Comment: This variant is classified as likely benign based on ACMG/AMP sequence variant interpretation guidelines (Richards et al. 2015 PMID: 25741868, with internal and published modifications).

NM_001267550.2(TTN):c.99027A>G (p.Ser33009=)

Genes: TTN (titin; minus strand), TTN-AS1 (TTN antisense RNA 1; plus strand). Cytogenetic location: 2q31.2.
Variant type: single nucleotide variant.
Coding change: c.99027A>G on transcript NM_001267550.2 (MANE Select); coding-DNA position 99027, A replaced by G.
Protein change: p.Ser33009=; no amino-acid change (serine 33009 retained).
Molecular consequence: synonymous variant. On other transcripts: non-coding transcript variant (1).
Genome position (GRCh38, 1-based): chr2:178,538,802, T>C on the plus strand (A>G on the coding strand, the complement: TTN is on the minus strand). VCF-style: chr2-178538802-T-C. GRCh37 (hg19) VCF-style: chr2-179403529-T-C.
Other names: c.94104A>G, p.Ser31368= (NM_001256850.1); c.71832A>G, p.Ser23944= (NM_003319.4); c.91323A>G, p.Ser30441= (NM_133378.4); c.72207A>G, p.Ser24069= (NM_133432.3); c.72408A>G, p.Ser24136= (NM_133437.4).
Identifiers: ClinVar variation 1585772 (VCV001585772.10), dbSNP rs1692959497, ClinGen allele CA430239637.
Genomic context (GRCh38, chr2:178,538,802, plus strand): 5'-TTCTTTACCACCATCACATTCAGGTTTCTCCCACTGTAGAGTGACACTATCTTTGGATAT[T>C]GAAAGAATCTCAAGTTCTCCTGGTTGGCTTGGTTTATCTGAAATATTTTAAAATAATGAA-3'
Protein context (NP_001254479.2, residues 32999-33019): PSQPGELEIL[Ser33009=]ISKDSVTLQW